The following is an entry in ClinVar:

ClinVar aggregate classification (germline): Conflicting classifications of pathogenicity. Review status: criteria provided, conflicting classifications (1 of 4 stars). 2 submissions from 2 submitters: Likely pathogenic (1); Uncertain significance (1). Last evaluated 2024-10-09.

Conditions:
Complex neurodevelopmental disorder. Identifiers: Orphanet 528084, MedGen C5568766, MONDO:0100038.
Developmental and epileptic encephalopathy, 11 (DEE11). Also called: Early infantile epileptic encephalopathy 11. Identifiers: Orphanet 1934, MedGen C3150987, MONDO:0013388, OMIM 613721.

Submissions (2):

Victorian Clinical Genetics Services, Murdoch Childrens Research Institute
Classification: Likely pathogenic for Complex neurodevelopmental disorder. Last evaluated: 2024-10-09. Review status: criteria provided, single submitter. Criteria: ACMG Guidelines, 2015. Collection method: clinical testing. Allele origin: germline. Inheritance: Autosomal dominant inheritance. Affected: yes.
Comment: Based on the classification scheme VCGS_Germline_v1.3.5, this variant is classified as Likely pathogenic. Following criteria are met: 0103 - Loss of function and gain of function are known mechanisms of disease in this gene. Variants causing a gain of function result in developmental and epileptic encephalopathy 11 (MIM#613721) or benign familial infantile seizures 3 (MIM#607745), whereas variants causing loss of function result in autism spectrum disorder and/or intellectual disability, with or without childhood-onset seizures (OMIM, PMID:29691040, 31904126). (I) 0107 - This gene is associated with autosomal dominant disease. (I) 0200 - Variant is predicted to result in a missense amino acid change from valine to alanine. (I) 0251 - This variant is heterozygous. (I) 0301 - Variant is absent from gnomAD (v2, v3 and v4). (SP) 0501 - Missense variant consistently predicted to be damaging by multiple in silico tools or highly conserved with a major amino acid change. (SP) 0603 - Missense variant in a region that is highly intolerant to missense variation (high constraint region in DECIPHER). (SP) 0705 - No comparable missense variants have previous evidence for pathogenicity. (I) 0809 - Previous evidence of pathogenicity for this variant is inconclusive. This variant has been classified as a VUS in ClinVar. (I) 0905 - No published segregation evidence has been identified for this variant. (I) 1007 - No published functional evidence has been identified for this variant. (SP) Legend: (SP) - Supporting pathogenic, (I) - Information, (SB) - Supporting benign

3billion
Classification: Uncertain significance for Developmental and epileptic encephalopathy, 11. Last evaluated: 2022-09-01. Review status: criteria provided, single submitter. Criteria: ACMG Guidelines, 2015. Collection method: clinical testing. Allele origin: germline. Affected: yes. Observed: 1 heterozygote.
Comment: The variant is not observed in the gnomAD v2.1.1 dataset. In silico tool predictions suggest damaging effect of the variant on gene or gene product (REVEL: 0.94; 3Cnet: 0.96). Therefore, this variant is classified as uncertain significance according to the recommendation of ACMG/AMP guideline.

Literature cited by the submitters: PubMed 29691040 (cited by Victorian Clinical Genetics Services, Murdoch Childrens Research Institute); PubMed 31904126 (cited by Victorian Clinical Genetics Services, Murdoch Childrens Research Institute).

NM_001040142.2(SCN2A):c.713T>C (p.Val238Ala)

Gene: SCN2A (sodium voltage-gated channel alpha subunit 2; plus strand). Cytogenetic location: 2q24.3.
Variant type: single nucleotide variant.
Coding change: c.713T>C on transcript NM_001040142.2 (MANE Select); coding-DNA position 713, T replaced by C.
Protein change: p.Val238Ala; replaces valine 238 with alanine.
Molecular consequence: missense variant.
Genome position (GRCh38, 1-based): chr2:165,310,338, T>C. VCF-style: chr2-165310338-T-C. GRCh37 (hg19) VCF-style: chr2-166166848-T-C.
Other names: c.713T>C, p.Val238Ala (NM_001040143.2, NM_001371246.1, NM_001371247.1 and 1 more transcripts); c.713T>C (NM_001040142.1); short protein forms V238A.
Identifiers: ClinVar variation 1705326 (VCV001705326.2), dbSNP rs2467890125, ClinGen allele CA349017790.